The following is an entry in ClinVar:

NM_001368882.1(COL13A1):c.113G>C (p.Arg38Pro)

Gene: COL13A1 (collagen type XIII alpha 1 chain; plus strand). Cytogenetic location: 10q22.1.
Variant type: single nucleotide variant.
Coding change: c.113G>C on transcript NM_001368882.1 (MANE Select); coding-DNA position 113, G replaced by C.
Protein change: p.Arg38Pro; replaces arginine 38 with proline.
Molecular consequence: missense variant. On other transcripts: 5 prime UTR variant (1).
Genome position (GRCh38, 1-based): chr10:69,802,536, G>C. VCF-style: chr10-69802536-G-C. GRCh37 (hg19) VCF-style: chr10-71562292-G-C.
Other names: c.113G>C, p.Arg38Pro (NM_001130103.2, NM_001320951.2, NM_001368883.1 and 11 more transcripts); c.-541G>C (NM_001368886.1); short protein forms R38P.
Identifiers: ClinVar variation 2108401 (VCV002108401.2), dbSNP rs1485801367, ClinGen allele CA376961589.

ClinVar aggregate classification (germline): Uncertain significance. Review status: criteria provided, multiple submitters, no conflicts (2 of 4 stars). 2 submissions from 2 submitters: Uncertain significance (2). Last evaluated 2022-08-02.

Conditions:
Inborn genetic diseases. Identifiers: MedGen C0950123, MeSH D030342.

Allele frequency attached by ClinVar (database versions not stated): gnomAD 0.00003; TOPMed 0.00003.
gnomAD v4.1: 6 of 1,593,548 alleles (0.00038%); highest among the groups gnomAD compares: African/African-American, 0.0069%; no homozygotes.

Submissions (2):

Ambry Genetics
Classification: Uncertain significance for Inborn genetic diseases. Last evaluated: 2022-08-02. Review status: criteria provided, single submitter. Criteria: Ambry Variant Classification Scheme 2023. Collection method: clinical testing. Allele origin: germline.

Labcorp Genetics (formerly Invitae), Labcorp
Classification: Uncertain significance. Last evaluated: 2022-03-10. Review status: criteria provided, single submitter. Criteria: Invitae Variant Classification Sherloc (09022015). Collection method: clinical testing. Allele origin: germline.
Comment: This sequence change replaces arginine, which is basic and polar, with proline, which is neutral and non-polar, at codon 38 of the COL13A1 protein (p.Arg38Pro). This variant is present in population databases (no rsID available, gnomAD 0.01%). This variant has not been reported in the literature in individuals affected with COL13A1-related conditions. Algorithms developed to predict the effect of missense changes on protein structure and function are either unavailable or do not agree on the potential impact of this missense change (SIFT: "Deleterious"; PolyPhen-2: "Probably Damaging"; Align-GVGD: "Class C0"). In summary, the available evidence is currently insufficient to determine the role of this variant in disease. Therefore, it has been classified as a Variant of Uncertain Significance.